The following is an entry in ClinVar:

ClinVar aggregate classification (germline): Pathogenic/Likely pathogenic. Review status: criteria provided, multiple submitters, no conflicts (2 of 4 stars). 4 submissions from 4 submitters: Pathogenic (1); Likely pathogenic (2). 1 of the submissions does not count toward it. Last evaluated 2025-10-23.

Conditions:
Glycogen storage disease XV (GSD15). Also called: GLYCOGENIN DEFICIENCY; GSD XV. Identifiers: Orphanet 263297, MedGen C3150754, MONDO:0013291, OMIM 613507.
Polyglucosan body myopathy type 2. Identifiers: Orphanet 456369, MedGen C4015452, MONDO:0014526, OMIM 616199.

Allele frequency attached by ClinVar (database versions not stated): gnomAD 0.00001; gnomAD exomes 0.00001 and 0.00002; TOPMed below 0.00001; ExAC 0.00002.
gnomAD v4.1: 11 of 1,613,770 alleles (0.00068%); highest among the groups gnomAD compares: East Asian, 0.0022%; no homozygotes.

Submissions (4):

Women's Health and Genetics/Laboratory Corporation of America, LabCorp
Classification: Pathogenic for Polyglucosan body myopathy type 2. Last evaluated: 2025-10-23. Review status: criteria provided, single submitter. Criteria: LabCorp Variant Classification Summary - May 2015. Collection method: clinical testing. Allele origin: germline.
Comment: Variant summary: GYG1 c.970C>T (p.Arg324X) results in a premature termination codon, predicted to cause a truncation of the encoded protein or absence of the protein due to nonsense mediated decay, which are commonly known mechanisms for disease. The variant allele was found at a frequency of 2e-05 in 251356 control chromosomes. c.970C>T has been observed at a compound heterozygous state along with a second pathogenic variant in at-least one individual affected with Polyglucosan Body Myopathy Type 2 (example, Malfatti_2014). At least one publication reports experimental evidence evaluating an impact on protein function. The most pronounced variant effect results in significantly reduced GYG1 levels and impaired elongation of the glycogen polymer of the residual truncated GYG1 (Malfatti_2014). The following publication has been ascertained in the context of this evaluation (PMID: 25272951). ClinVar contains an entry for this variant (Variation ID: 162662). Based on the evidence outlined above, the variant was classified as pathogenic.

Kariminejad - Najmabadi Pathology & Genetics Center
Classification: Likely pathogenic for Polyglucosan body myopathy type 2. Last evaluated: 2024-07-30. Review status: criteria provided, single submitter. Criteria: ACMG Guidelines, 2015. Collection method: clinical testing. Allele origin: germline. Inheritance: Autosomal recessive inheritance. Affected: yes.
Comment: PM2,PVS1_mo,PM3_mo

Fulgent Genetics
Classification: Likely pathogenic for Glycogen storage disease XV; Polyglucosan body myopathy type 2. Last evaluated: 2022-03-09. Review status: criteria provided, single submitter. Criteria: ACMG Guidelines, 2015. Collection method: clinical testing. Allele origin: unknown.

OMIM
Classification: Pathogenic for POLYGLUCOSAN BODY MYOPATHY 2. Last evaluated: 2014-12-01. Review status: no assertion criteria provided. Collection method: literature only. Allele origin: germline. Not counted in ClinVar's aggregate classification.

Literature cited by the submitters: PubMed 25272951 (cited by Women's Health and Genetics/Laboratory Corporation of America, LabCorp and OMIM).

NM_004130.4(GYG1):c.970C>T (p.Arg324Ter)

Gene: GYG1 (glycogenin 1; plus strand). Cytogenetic location: 3q24.
Variant type: single nucleotide variant.
Coding change: c.970C>T on transcript NM_004130.4 (MANE Select); coding-DNA position 970, C replaced by T.
Protein change: p.Arg324Ter; replaces arginine 324 with a stop codon.
Molecular consequence: nonsense. On other transcripts: synonymous variant (1).
Genome position (GRCh38, 1-based): chr3:149,026,850, C>T. VCF-style: chr3-149026850-C-T. GRCh37 (hg19) VCF-style: chr3-148744637-C-T.
Other names: c.919C>T, p.Arg307Ter (NM_001184720.2); c.699C>T, p.Asn233= (NM_001184721.2); short protein forms R324*, R307*.
Identifiers: ClinVar variation 162662 (VCV000162662.5), dbSNP rs727502869, ClinGen allele CA175126.
Genomic context (GRCh38, chr3:149,026,850, plus strand): 5'-TCCCTTGGGGAGATCCCAGCTATGGCACAGCCGTTTGTATCCTCGGAAGAACGGAAGGAA[C>T]GATGGGAACAGGGCCAGGCTGATTATATGGGAGCAGATTCCTTTGACAACATCAAGAGGA-3'